The following is an entry in ClinVar:

ClinVar aggregate classification (germline): Conflicting classifications of pathogenicity. Review status: criteria provided, conflicting classifications (1 of 4 stars). 11 submissions from 11 submitters: Uncertain significance (6); Likely benign (4). 1 of the submissions does not count toward it. Last evaluated 2025-03-17.

Conditions:
TTN-related disorder. Also called: TTN-related condition; TTN-related disease; TTN-related disorders.
Cardiovascular phenotype. Identifiers: MedGen CN230736.
Autosomal recessive limb-girdle muscular dystrophy type 2J (LGMDR10). Also called: Limb-girdle muscular dystrophy, type 2J; MUSCULAR DYSTROPHY, LIMB-GIRDLE, AUTOSOMAL RECESSIVE 10. Identifiers: Orphanet 140922, MedGen C1837342, MONDO:0012127, OMIM 608807.
Dilated cardiomyopathy 1G (CMD1G). Identifiers: Orphanet 154, MedGen C1858763, MONDO:0011400, OMIM 604145.
Cardiomyopathy (CMYO). Also called: Cardiomyopathies. Identifiers: Orphanet 167848, MedGen C0878544, MONDO:0004994, HP:0001638. Inheritance: Various modes of inheritance.

Allele frequency attached by ClinVar (database versions not stated): ExAC 0.00006; gnomAD exomes 0.00008; TOPMed 0.00012; gnomAD 0.00014 and 0.00015; ESP Exome Variant Server 0.00016.
gnomAD v4.1: 211 of 1,613,842 alleles (0.013%); highest among the groups gnomAD compares: Non-Finnish European, 0.016%; no homozygotes.

Submissions (11):

Women's Health and Genetics/Laboratory Corporation of America, LabCorp
Classification: Uncertain significance. Last evaluated: 2025-03-17. Review status: criteria provided, single submitter. Criteria: LabCorp Variant Classification Summary - May 2015. Collection method: clinical testing. Allele origin: germline.
Comment: Variant summary: TTN c.97232G>C (p.Gly32411Ala) results in a non-conservative amino acid change in the encoded protein sequence. Two of four in-silico tools predict a benign effect of the variant on protein function. The variant allele was found at a frequency of 8e-05 in 249104 control chromosomes. This frequency is not significantly higher than estimated for a pathogenic variant in TTN causing Dilated Cardiomyopathy (8e-05 vs 0.00039), allowing no conclusion about variant significance. c.97232G>C has been reported in the literature in individuals affected with Dilated Cardiomyopathy. These report(s) do not provide unequivocal conclusions about association of the variant with Dilated Cardiomyopathy. To our knowledge, no experimental evidence demonstrating an impact on protein function has been reported. The following publication have been ascertained in the context of this evaluation (PMID: 31983221). ClinVar contains an entry for this variant (Variation ID: 220679). Based on the evidence outlined above, the variant was classified as uncertain significance.

CeGaT Center for Human Genetics Tuebingen
Classification: Uncertain significance. Last evaluated: 2025-02-01. Review status: criteria provided, single submitter. Criteria: CeGaT Center For Human Genetics Tuebingen Variant Classification Criteria Version 2. Collection method: clinical testing. Allele origin: germline. Affected: yes. Observed: 2 variant alleles.
Comment: TTN: PM2

Blueprint Genetics
Classification: Likely benign. Last evaluated: 2024-08-15. Review status: criteria provided, single submitter. Criteria: ACMG Guidelines, 2015. Collection method: clinical testing. Allele origin: germline.

Revvity Omics, Revvity
Classification: Uncertain significance. Last evaluated: 2022-06-02. Review status: criteria provided, single submitter. Criteria: ACMG Guidelines, 2015. Collection method: clinical testing. Allele origin: germline.

Ambry Genetics
Classification: Likely benign for Cardiovascular phenotype. Last evaluated: 2020-05-29. Review status: criteria provided, single submitter. Criteria: Ambry Autosomal Dominant and X-Linked criteria (2/2020). Collection method: clinical testing. Allele origin: germline. Observed: 1 variant allele.
Comment: In silico models in agreement (benign);Subpopulation frequency in support of benign classification

CHEO Genetics Diagnostic Laboratory, Children's Hospital of Eastern Ontario
Classification: Uncertain significance for Cardiomyopathy. Last evaluated: 2020-05-12. Review status: criteria provided, single submitter. Criteria: ACMG Guidelines, 2015. Collection method: clinical testing. Allele origin: germline.

GeneDx
Classification: Likely benign. Last evaluated: 2019-02-15. Review status: criteria provided, single submitter. Criteria: GeneDx Variant Classification Process June 2021. Collection method: clinical testing. Allele origin: germline. Affected: yes.
Comment: This variant is associated with the following publications: (PMID: 31983221)

Laboratory for Molecular Medicine, Mass General Brigham Personalized Medicine
Classification: Likely benign. Last evaluated: 2019-01-02. Review status: criteria provided, single submitter. Criteria: LMM Criteria. Collection method: clinical testing. Allele origin: germline. Observed: 1 variant allele.
Comment: The p.Gly32411Ala variant in TTN is classified as likely benign because it has b een identified in 0.01% (18/128300) of European chromosomes by gnomAD and was identified in trans with a likely pathogenic va riant. ACMG/AMP Criteria applied: BS1_Supporting, BP2.

Labcorp Genetics (formerly Invitae), Labcorp
Classification: Uncertain significance for Dilated cardiomyopathy 1G; Autosomal recessive limb-girdle muscular dystrophy type 2J. Last evaluated: 2015-10-20. Review status: criteria provided, single submitter. Criteria: Invitae Variant Classification Sherloc (09022015). Collection method: clinical testing. Allele origin: germline.

Eurofins Ntd Llc (ga)
Classification: Uncertain significance. Last evaluated: 2015-09-09. Review status: criteria provided, single submitter. Criteria: EGL Classification Definitions 2015. Collection method: clinical testing. Allele origin: germline. Observed: 1 variant allele, 1 heterozygote.

PreventionGenetics, part of Exact Sciences
Classification: Uncertain significance for TTN-related condition. Last evaluated: 2024-06-26. Review status: no assertion criteria provided. Collection method: clinical testing. Allele origin: germline. Not counted in ClinVar's aggregate classification.
Comment: The TTN c.104936G>C variant is predicted to result in the amino acid substitution p.Gly34979Ala. This variant was reported in a large cohort study of individuals with dilated cardiomyopathy (Reported as chr2:g.179396406 in Supp. Table 3 Mazzarotto et al 2020. PubMed ID: 31983221). This variant is reported in 0.014% of alleles in individuals of European (Non-Finnish) descent in gnomAD. At this time, the clinical significance of this variant is uncertain due to the absence of conclusive functional and genetic evidence.

Literature cited by the submitters: PubMed 31983221 (cited by Women's Health and Genetics/Laboratory Corporation of America, LabCorp).

NM_001267550.2(TTN):c.104936G>C (p.Gly34979Ala)

Genes: TTN (titin; minus strand), TTN-AS1 (TTN antisense RNA 1; plus strand). Cytogenetic location: 2q31.2.
Variant type: single nucleotide variant.
Coding change: c.104936G>C on transcript NM_001267550.2 (MANE Select); coding-DNA position 104936, G replaced by C.
Protein change: p.Gly34979Ala; replaces glycine 34979 with alanine.
Molecular consequence: missense variant.
Genome position (GRCh38, 1-based): chr2:178,531,679, C>G on the plus strand (G>C on the coding strand, the complement: TTN is on the minus strand). VCF-style: chr2-178531679-C-G. GRCh37 (hg19) VCF-style: chr2-179396406-C-G.
Other names: c.100013G>C, p.Gly33338Ala (NM_001256850.1); c.77741G>C, p.Gly25914Ala (NM_003319.4); c.97232G>C, p.Gly32411Ala (NM_133378.4); c.78116G>C, p.Gly26039Ala (NM_133432.3); c.78317G>C, p.Gly26106Ala (NM_133437.4); short protein forms G34979A, G32411A, G33338A, G26106A, G26039A, G25914A.
Identifiers: ClinVar variation 220679 (VCV000220679.46), dbSNP rs376634193, ClinGen allele CA349948.